The following is an entry in ClinVar:

NM_001008537.3(NEXMIF):c.1261C>T (p.Leu421Phe)

Gene: NEXMIF (neurite extension and migration factor; minus strand). Cytogenetic location: Xq13.3.
Variant type: single nucleotide variant.
Coding change: c.1261C>T on transcript NM_001008537.3 (MANE Select); coding-DNA position 1261, C replaced by T.
Protein change: p.Leu421Phe; replaces leucine 421 with phenylalanine.
Molecular consequence: missense variant.
Genome position (GRCh38, 1-based): chrX:74,743,296, G>A on the plus strand (C>T on the coding strand, the complement: NEXMIF is on the minus strand). VCF-style: chrX-74743296-G-A. GRCh37 (hg19) VCF-style: chrX-73963131-G-A.
Other names: short protein forms L421F.
Identifiers: ClinVar variation 844745 (VCV000844745.10), dbSNP rs1320278331, ClinGen allele CA413670911.
Genomic context (GRCh38, chrX:74,743,296, plus strand): 5'-CACTGAAACTCCCTGATGTCTCCAGGGAATTAGCAAGATGGCCCTGCTTTGGATTCTTAA[G>A]TTGCTCTACTTCAGTCCCACTGCATGGTTTATTTAAGGCAGGCTTTTCTCCATTATCCTT-3'
Protein context (NP_001008537.1, residues 411-431): KPCSGTEVEQ[Leu421Phe]KNPKQGHLAN

ClinVar aggregate classification (germline): Conflicting classifications of pathogenicity. Review status: criteria provided, conflicting classifications (1 of 4 stars). 2 submissions from 2 submitters: Uncertain significance (1); Likely benign (1). Last evaluated 2024-09-16.

Allele frequency attached by ClinVar (database versions not stated): gnomAD 0.00004; gnomAD exomes 0.00001 and below 0.00001; TOPMed 0.00002.
gnomAD v4.1: 6 of 1,209,804 alleles (0.0005%); highest among the groups gnomAD compares: Non-Finnish European, 0.00067%; no homozygotes.

Submissions (2):

Labcorp Genetics (formerly Invitae), Labcorp
Classification: Uncertain significance. Last evaluated: 2024-09-16. Review status: criteria provided, single submitter. Criteria: Invitae Variant Classification Sherloc (09022015). Collection method: clinical testing. Allele origin: germline.
Comment: This sequence change replaces leucine, which is neutral and non-polar, with phenylalanine, which is neutral and non-polar, at codon 421 of the NEXMIF protein (p.Leu421Phe). This variant is present in population databases (no rsID available, gnomAD 0.001%), including at least one homozygous and/or hemizygous individual. This variant has not been reported in the literature in individuals affected with NEXMIF-related conditions. ClinVar contains an entry for this variant (Variation ID: 844745). An algorithm developed to predict the effect of missense changes on protein structure and function outputs the following: PolyPhen-2: "Benign". The phenylalanine amino acid residue is found in multiple mammalian species, which suggests that this missense change does not adversely affect protein function. In summary, the available evidence is currently insufficient to determine the role of this variant in disease. Therefore, it has been classified as a Variant of Uncertain Significance.

Ambry Genetics
Classification: Likely benign. Last evaluated: 2022-01-27. Review status: criteria provided, single submitter. Criteria: Ambry Variant Classification Scheme 2023. Collection method: clinical testing. Allele origin: germline.